The following is an entry in ClinVar:

NM_003265.3(TLR3):c.2459A>G (p.His820Arg)

Gene: TLR3 (toll like receptor 3; plus strand). Cytogenetic location: 4q35.1.
Variant type: single nucleotide variant.
Coding change: c.2459A>G on transcript NM_003265.3 (MANE Select); coding-DNA position 2459, A replaced by G.
Protein change: p.His820Arg; replaces histidine 820 with arginine.
Molecular consequence: missense variant.
Genome position (GRCh38, 1-based): chr4:186,084,145, A>G. VCF-style: chr4-186084145-A-G. GRCh37 (hg19) VCF-style: chr4-187005299-A-G.
Other names: short protein forms H820R.
Identifiers: ClinVar variation 4762921 (VCV004762921.1).
Genomic context (GRCh38, chr4:186,084,145, plus strand): 5'-TAGAAGCAATTGTTAACAGCATCAAAAGAAGCAGAAAAATTATTTTTGTTATAACACACC[A>G]TCTATTAAAAGACCCATTATGCAAAAGGTAGGTAAACATTGTGAAATTTTAAGTGTGTAC-3'
Protein context (NP_003256.1, residues 810-830): SRKIIFVITH[His820Arg]LLKDPLCKRF

ClinVar aggregate classification (germline): Uncertain significance (1 of 4 stars; one submission).

Conditions:
Encephalopathy, acute, infection-induced (herpes-specific), susceptibility to, 1. Also called: Herpes simplex encephalitis, susceptibility to, 1. Identifiers: Orphanet 1930, MedGen C2750180, MONDO:0024563, OMIM 610551.

Submission:

Labcorp Genetics (formerly Invitae), Labcorp
Classification: Uncertain significance for Encephalopathy, acute, infection-induced (herpes-specific), susceptibility to, 1. Last evaluated: 2025-04-14. Review status: criteria provided, single submitter. Criteria: Invitae Variant Classification Sherloc (09022015). Collection method: clinical testing. Allele origin: germline.
Comment: This sequence change replaces histidine, which is basic and polar, with arginine, which is basic and polar, at codon 820 of the TLR3 protein (p.His820Arg). This variant is not present in population databases (gnomAD no frequency). This variant has not been reported in the literature in individuals affected with TLR3-related conditions. An algorithm developed to predict the effect of missense changes on protein structure and function (PolyPhen-2) suggests that this variant is likely to be tolerated. In summary, the available evidence is currently insufficient to determine the role of this variant in disease. Therefore, it has been classified as a Variant of Uncertain Significance.